The following is an entry in ClinVar:

NM_014874.4(MFN2):c.1736dup (p.Thr580fs)

Gene: MFN2 (mitofusin 2; plus strand). Cytogenetic location: 1p36.22.
Variant type: Duplication.
Coding change: c.1736dup on transcript NM_014874.4 (MANE Select); coding-DNA position 1736, one base duplicated (T; older notation c.1736dupT).
Protein change: p.Thr580fs; shifts the reading frame from threonine 580.
Molecular consequence: frameshift variant.
Genome position (GRCh38, 1-based): chr1:12,006,557, T duplicated. VCF-style (leftmost placement, unchanged base first): chr1-12006556-C-CT. GRCh37 (hg19) VCF-style: chr1-12066613-C-CT.
Other names: c.1736dup, p.Thr580fs (NM_001127660.2); c.1736dupT (NM_014874.4); short protein forms T580fs.
Identifiers: ClinVar variation 4850456 (VCV004850456.1).
Genomic context (GRCh38, chr1:12,006,556, plus strand): 5'-CTCAATACGTCCCCCTCACCCCTCTCATGTTTCTCTCCTCAGGTCCAGCGTCCCATCCCT[C>CT]TGACGCCAGCCAACCCCAGCATGCCCCCACTGCCACAGGGCTCGCTCACCCAGGAGGAGT-3'

ClinVar aggregate classification (germline): Likely pathogenic (1 of 4 stars; one submission).

Conditions:
Multiple symmetric lipomatosis. Also called: Launois-Bensaude syndrome; Madelung's disease; LIPODYSTROPHY, CEPHALOTHORACIC; Madelung disease; Benign symmetrical lipomatosis. Identifiers: Orphanet 2398, MedGen C0023804, MONDO:0007908, OMIM 151800.
Charcot-Marie-Tooth disease, axonal, autosomal recessive, type 2a2b;. Also called: Charcot-Marie-Tooth disease, axonal, autosomal recessive, type 2A2B; Charcot-Marie-Tooth disease, axonal, type 2A2B. Identifiers: MedGen C4310725, MONDO:0014906, OMIM 617087.

Submission:

First Genomix Gene Laboratory, Genetic Diagnostics Department
Classification: Likely pathogenic for Charcot-Marie-Tooth disease, axonal, autosomal recessive, type 2a2b;; Multiple symmetric lipomatosis. Last evaluated: 2025-08-21. Review status: criteria provided, single submitter. Criteria: ACMG Guidelines, 2015. Collection method: clinical testing. Allele origin: germline. Inheritance: Autosomal recessive inheritance. Affected: no. Observed: 1 variant allele.